The following is an entry in ClinVar:

ClinVar aggregate classification (germline): Likely benign. Review status: criteria provided, multiple submitters, no conflicts (2 of 4 stars). 2 submissions from 2 submitters: Likely benign (2). Last evaluated 2025-09-03.

Conditions:
RAI1-related disorder. Also called: RAI1-related condition.

Allele frequency attached by ClinVar (database versions not stated): gnomAD 0.00002; ExAC 0.00001; gnomAD exomes 0.00001; TOPMed 0.00001.
gnomAD v4.1: 17 of 1,612,970 alleles (0.0011%); highest among the groups gnomAD compares: African/African-American, 0.004%; no homozygotes.

Submissions (2):

PreventionGenetics, part of Exact Sciences
Classification: Likely benign for RAI1-related condition. Last evaluated: 2025-09-03. Review status: criteria provided, single submitter. Criteria: ACMG Guidelines, 2015. Collection method: clinical testing. Allele origin: germline.
Comment: This variant is classified as likely benign based on ACMG/AMP sequence variant interpretation guidelines (Richards et al. 2015 PMID: 25741868, with internal and published modifications).

Labcorp Genetics (formerly Invitae), Labcorp
Classification: Likely benign. Last evaluated: 2025-05-26. Review status: criteria provided, single submitter. Criteria: Invitae Variant Classification Sherloc (09022015). Collection method: clinical testing. Allele origin: germline.

NM_030665.4(RAI1):c.2670G>A (p.Pro890=)

Gene: RAI1 (retinoic acid induced 1; plus strand). Cytogenetic location: 17p11.2.
Variant type: single nucleotide variant.
Coding change: c.2670G>A on transcript NM_030665.4 (MANE Select); coding-DNA position 2670, G replaced by A.
Protein change: p.Pro890=; no amino-acid change (proline 890 retained).
Molecular consequence: synonymous variant.
Genome position (GRCh38, 1-based): chr17:17,795,618, G>A. VCF-style: chr17-17795618-G-A. GRCh37 (hg19) VCF-style: chr17-17698932-G-A.
Other names: c.2670G>A (NM_030665.3).
Identifiers: ClinVar variation 2062684 (VCV002062684.5), dbSNP rs373604738, ClinGen allele CA8418579.
Genomic context (GRCh38, chr17:17,795,618, plus strand): 5'-GTACTCCTCCCTATGTGAGCTCCTGGGCAGCCCCGAGCAGAGGCCTGGCATGCAGGACCC[G>A]CTGTCACCCAAGGCCCCACTCATCTGCACCAAGGAGGAGGTGGAGGAGGTGCTGGACTCC-3'
Protein context (NP_109590.3, residues 880-900): SPEQRPGMQD[Pro890=]LSPKAPLICT